The following is an entry in ClinVar:

NM_000038.6(APC):c.3521A>G (p.Asp1174Gly)

Gene: APC (APC regulator of Wnt signaling pathway; plus strand). Cytogenetic location: 5q22.2.
Variant type: single nucleotide variant.
Coding change: c.3521A>G on transcript NM_000038.6 (MANE Select); coding-DNA position 3521, A replaced by G.
Protein change: p.Asp1174Gly; replaces aspartic acid 1174 with glycine.
Molecular consequence: missense variant.
Genome position (GRCh38, 1-based): chr5:112,839,115, A>G. VCF-style: chr5-112839115-A-G. GRCh37 (hg19) VCF-style: chr5-112174812-A-G.
Other names: c.3521A>G (NM_000038.5); c.3521A>G, p.Asp1174Gly (NM_001354895.2, NM_001407450.1, NM_001127510.3); c.3575A>G, p.Asp1192Gly (NM_001354896.2, NM_001407447.1, NM_001407448.1 and 1 more transcripts); c.3551A>G, p.Asp1184Gly (NM_001354897.2); c.3446A>G, p.Asp1149Gly (NM_001354898.2); c.3437A>G, p.Asp1146Gly (NM_001354899.2); c.3398A>G, p.Asp1133Gly (NM_001354900.2); c.3344A>G, p.Asp1115Gly (NM_001354901.2, NM_001407453.1); and 12 more; short protein forms D1146G, D1149G, D1167G, D1184G, D1192G, D1202G, D891G, D1091G.
Identifiers: ClinVar variation 2089797 (VCV002089797.6), dbSNP rs1412002906, ClinGen allele CA16029067.
Genomic context (GRCh38, chr5:112,839,115, plus strand): 5'-AAGAAGAAGAGAGACCAACAAATTATAGCATAAAATATAATGAAGAGAAACGTCATGTGG[A>G]TCAGCCTATTGATTATAGTTTAAAATATGCCACAGATATTCCTTCATCACAGAAACAGTC-3'
Protein context (NP_000029.2, residues 1164-1184): IKYNEEKRHV[Asp1174Gly]QPIDYSLKYA

ClinVar aggregate classification (germline): Uncertain significance. Review status: criteria provided, multiple submitters, no conflicts (2 of 4 stars). 3 submissions from 3 submitters: Uncertain significance (3). Last evaluated 2025-08-23.

Conditions:
Classic or attenuated familial adenomatous polyposis. Identifiers: MedGen CN372698, MONDO:0021057.
Hereditary cancer-predisposing syndrome. Also called: Tumor predisposition; Hereditary Cancer Syndrome; Hereditary neoplastic syndrome; Neoplastic Syndromes, Hereditary. Identifiers: Orphanet 140162, MedGen C0027672, MeSH D009386, MONDO:0015356.
Familial adenomatous polyposis 1 (FAP1). Also called: POLYPOSIS, ADENOMATOUS INTESTINAL; FAMILIAL ADENOMATOUS POLYPOSIS 1, ATTENUATED. Identifiers: MedGen C2713442, MONDO:0021056, OMIM 175100. Disease mechanism: loss of function.

Allele frequency attached by ClinVar (database versions not stated): gnomAD exomes below 0.00001.
gnomAD v4.1: 1 of 1,614,168 alleles (0.000062%); highest among the groups gnomAD compares: Admixed American, 0.0017%; no homozygotes.

Submissions (3):

Ambry Genetics
Classification: Uncertain significance for Hereditary cancer-predisposing syndrome. Last evaluated: 2025-08-23. Review status: criteria provided, single submitter. Criteria: Ambry Variant Classification Scheme 2023. Collection method: clinical testing. Allele origin: germline.
Comment: The p.D1174G variant (also known as c.3521A>G), located in coding exon 15 of the APC gene, results from an A to G substitution at nucleotide position 3521. The aspartic acid at codon 1174 is replaced by glycine, an amino acid with similar properties. This amino acid position is conserved. In addition, in silico predictors for this gene do not accurately predict pathogenicity. Based on the available evidence, the clinical significance of this variant remains unclear.

All of Us Research Program, National Institutes of Health
Classification: Uncertain significance for Classic or attenuated familial adenomatous polyposis. Last evaluated: 2024-08-13. Review status: criteria provided, single submitter. Criteria: ACMG Guidelines, 2015. Collection method: clinical testing. Allele origin: germline. Inheritance: Autosomal dominant inheritance. Observed: 1 variant allele, 1 heterozygote.
Comment: This missense variant replaces aspartic acid with glycine at codon 1174 of the APC protein. Computational prediction is inconclusive regarding the impact of this variant on protein structure and function (internally defined REVEL score threshold 0.5 < inconclusive < 0.7, PMID: 27666373). To our knowledge, functional studies have not been reported for this variant. This variant has not been reported in individuals affected with APC-related disorders in the literature. This variant has been identified in 1/250156 chromosomes in the general population by the Genome Aggregation Database (gnomAD). The available evidence is insufficient to determine the role of this variant in disease conclusively. Therefore, this variant is classified as a Variant of Uncertain Significance.

This study involves interpretation of variants in research participants for the purpose of population health screening. Participant phenotype was not available at the time of variant classification. Additional details can be found in publication PMID: 35346344, PMCID: PMC8962531

Labcorp Genetics (formerly Invitae), Labcorp
Classification: Uncertain significance for Familial adenomatous polyposis 1. Last evaluated: 2023-07-25. Review status: criteria provided, single submitter. Criteria: Invitae Variant Classification Sherloc (09022015). Collection method: clinical testing. Allele origin: germline.
Comment: In summary, the available evidence is currently insufficient to determine the role of this variant in disease. Therefore, it has been classified as a Variant of Uncertain Significance. Advanced modeling of protein sequence and biophysical properties (such as structural, functional, and spatial information, amino acid conservation, physicochemical variation, residue mobility, and thermodynamic stability) performed at Invitae indicates that this missense variant is not expected to disrupt APC protein function. ClinVar contains an entry for this variant (Variation ID: 2089797). This variant has not been reported in the literature in individuals affected with APC-related conditions. This variant is present in population databases (no rsID available, gnomAD 0.003%). This sequence change replaces aspartic acid, which is acidic and polar, with glycine, which is neutral and non-polar, at codon 1174 of the APC protein (p.Asp1174Gly).